The following is an entry in ClinVar:

ClinVar aggregate classification (germline): Conflicting classifications of pathogenicity. Review status: criteria provided, conflicting classifications (1 of 4 stars). 4 submissions from 4 submitters: Uncertain significance (3); Benign (1). Last evaluated 2026-07-09.

Conditions:
PDGFRA-related disorder. Also called: PDGFRA-related condition.
Polyps, multiple and recurrent inflammatory fibroid, gastrointestinal. Identifiers: MedGen C5193005, MONDO:0008285, OMIM 175510.
Hereditary cancer-predisposing syndrome. Also called: Neoplastic Syndromes, Hereditary; Tumor predisposition; Hereditary Cancer Syndrome; Hereditary neoplastic syndrome. Identifiers: Orphanet 140162, MedGen C0027672, MeSH D009386, MONDO:0015356.
Gastrointestinal stromal tumor. Also called: Gastrointestinal stroma tumor; Gastrointestinal stromal tumor, somatic. Identifiers: Orphanet 44890, MedGen C0238198, MeSH D046152, MONDO:0011719, OMIM 606764, HP:0100723.

Allele frequency attached by ClinVar (database versions not stated): ExAC 0.00001; gnomAD exomes 0.00001; gnomAD 0.00005 and 0.00006; TOPMed 0.00006; ESP Exome Variant Server 0.00008.

Submissions (4):

PreventionGenetics, part of Exact Sciences
Classification: Uncertain significance for PDGFRA-related condition. Last evaluated: 2026-07-09. Review status: criteria provided, single submitter. Criteria: ACMG Guidelines, 2015. Collection method: clinical testing. Allele origin: germline.
Comment: The PDGFRA c.2075G>A variant is predicted to result in the amino acid substitution p.Ser692Asn. To our knowledge, this variant has not been reported in the literature. This variant is reported in 0.020% of alleles in individuals of African descent in gnomAD and has been classified as uncertain and benign in the ClinVar database (Variation ID: 407422). At this time, the clinical significance of this variant is uncertain due to the absence of conclusive functional and genetic evidence.

Labcorp Genetics (formerly Invitae), Labcorp
Classification: Uncertain significance for Gastrointestinal stromal tumor. Last evaluated: 2026-01-18. Review status: criteria provided, single submitter. Criteria: Invitae Variant Classification Sherloc (09022015). Collection method: clinical testing. Allele origin: germline.
Comment: This sequence change replaces serine, which is neutral and polar, with asparagine, which is neutral and polar, at codon 692 of the PDGFRA protein (p.Ser692Asn). This variant is present in population databases (rs371065167, gnomAD 0.02%). This variant has not been reported in the literature in individuals affected with PDGFRA-related conditions. ClinVar contains an entry for this variant (Variation ID: 407422). Invitae Evidence Modeling of protein sequence and biophysical properties (such as structural, functional, and spatial information, amino acid conservation, physicochemical variation, residue mobility, and thermodynamic stability) indicates that this missense variant is not expected to disrupt PDGFRA protein function with a negative predictive value of 80%. In summary, the available evidence is currently insufficient to determine the role of this variant in disease. Therefore, it has been classified as a Variant of Uncertain Significance.

Ambry Genetics
Classification: Benign for Hereditary cancer-predisposing syndrome. Last evaluated: 2024-10-28. Review status: criteria provided, single submitter. Criteria: Ambry Variant Classification Scheme 2023. Collection method: clinical testing. Allele origin: germline.

Baylor Genetics
Classification: Uncertain significance for Polyps, multiple and recurrent inflammatory fibroid, gastrointestinal. Last evaluated: 2024-02-29. Review status: criteria provided, single submitter. Criteria: ACMG Guidelines, 2015. Collection method: clinical testing. Allele origin: unknown. Study: CSER-TexasKidsCanSeq.

NM_006206.6(PDGFRA):c.2075G>A (p.Ser692Asn)

Gene: PDGFRA (platelet derived growth factor receptor alpha; plus strand). Cytogenetic location: 4q12.
Variant type: single nucleotide variant.
Coding change: c.2075G>A on transcript NM_006206.6 (MANE Select); coding-DNA position 2075, G replaced by A.
Protein change: p.Ser692Asn; replaces serine 692 with asparagine.
Molecular consequence: missense variant.
Genome position (GRCh38, 1-based): chr4:54,278,434, G>A. VCF-style: chr4-54278434-G-A. GRCh37 (hg19) VCF-style: chr4-55144601-G-A.
Other names: c.2075G>A, p.Ser692Asn (NM_001347827.2, NM_001347829.2); c.2150G>A, p.Ser717Asn (NM_001347828.2); c.2114G>A, p.Ser705Asn (NM_001347830.2); short protein forms S692N, S705N, S717N.
Identifiers: ClinVar variation 407422 (VCV000407422.15), dbSNP rs371065167, ClinGen allele CA2922744.
Genomic context (GRCh38, chr4:54,278,434, plus strand): 5'-TCATCACAGAGTATTGCTTCTATGGAGATTTGGTCAACTATTTGCATAAGAATAGGGATA[G>A]CTTCCTGAGCCACCACCCAGAGAAGCCAAAGAAAGAGCTGGATATCTTTGGATTGAACCC-3'
Protein context (NP_006197.1, residues 682-702): LVNYLHKNRD[Ser692Asn]FLSHHPEKPK